The following is an entry in ClinVar:

NM_177438.3(DICER1):c.299T>G (p.Val100Gly)

Gene: DICER1 (dicer 1, ribonuclease III; minus strand). Cytogenetic location: 14q32.13.
Variant type: single nucleotide variant.
Coding change: c.299T>G on transcript NM_177438.3 (MANE Select); coding-DNA position 299, T replaced by G.
Protein change: p.Val100Gly; replaces valine 100 with glycine.
Molecular consequence: missense variant.
Genome position (GRCh38, 1-based): chr14:95,132,523, A>C on the plus strand (T>G on the coding strand, the complement: DICER1 is on the minus strand). VCF-style: chr14-95132523-A-C. GRCh37 (hg19) VCF-style: chr14-95598860-A-C.
Other names: c.299T>G, p.Val100Gly (NM_001195573.1, NM_001271282.3, NM_001291628.2 and 1 more transcripts); short protein forms V100G.
Identifiers: ClinVar variation 665114 (VCV000665114.15), dbSNP rs1390907504, ClinGen allele CA390889623.

ClinVar aggregate classification (germline): Uncertain significance. Review status: criteria provided, multiple submitters, no conflicts (2 of 4 stars). 4 submissions from 4 submitters: Uncertain significance (4). Last evaluated 2025-05-13.

Conditions:
Global developmental delay - lung cysts - overgrowth - Wilms tumor syndrome. Also called: GLOW Syndrome; GLOBAL DEVELOPMENTAL DELAY, LUNG CYSTS, OVERGROWTH, AND WILMS TUMOR. Identifiers: Orphanet 404476, MedGen C4748924, MONDO:0018445, OMIM 618272.
DICER1-related tumor predisposition. Also called: DICER1 syndrome; DICER1-related pleuropulmonary blastoma cancer predisposition syndrome. Identifiers: Orphanet 284343, MedGen C3839822, MONDO:0100216.
Hereditary cancer-predisposing syndrome. Also called: Neoplastic Syndromes, Hereditary; Hereditary neoplastic syndrome; Tumor predisposition; Hereditary Cancer Syndrome. Identifiers: Orphanet 140162, MedGen C0027672, MeSH D009386, MONDO:0015356.

Allele frequency attached by ClinVar (database versions not stated): gnomAD exomes below 0.00001; TOPMed below 0.00001; gnomAD 0.00001.
gnomAD v4.1: 2 of 1,613,846 alleles (0.00012%); highest among the groups gnomAD compares: Non-Finnish European, 0.00017%; no homozygotes.

Submissions (4):

Labcorp Genetics (formerly Invitae), Labcorp
Classification: Uncertain significance for DICER1-related tumor predisposition. Last evaluated: 2025-05-13. Review status: criteria provided, single submitter. Criteria: Invitae Variant Classification Sherloc (09022015). Collection method: clinical testing. Allele origin: germline.
Comment: This sequence change replaces valine, which is neutral and non-polar, with glycine, which is neutral and non-polar, at codon 100 of the DICER1 protein (p.Val100Gly). This variant is not present in population databases (gnomAD no frequency). This variant has not been reported in the literature in individuals affected with DICER1-related conditions. ClinVar contains an entry for this variant (Variation ID: 665114). Invitae Evidence Modeling of protein sequence and biophysical properties (such as structural, functional, and spatial information, amino acid conservation, physicochemical variation, residue mobility, and thermodynamic stability) has been performed for this missense variant. However, the output from this modeling did not meet the statistical confidence thresholds required to predict the impact of this variant on DICER1 protein function. In summary, the available evidence is currently insufficient to determine the role of this variant in disease. Therefore, it has been classified as a Variant of Uncertain Significance.

Ambry Genetics
Classification: Uncertain significance for Hereditary cancer-predisposing syndrome. Last evaluated: 2023-09-06. Review status: criteria provided, single submitter. Criteria: Ambry Variant Classification Scheme 2023. Collection method: clinical testing. Allele origin: germline.
Comment: The p.V100G variant (also known as c.299T>G), located in coding exon 2 of the DICER1 gene, results from a T to G substitution at nucleotide position 299. The valine at codon 100 is replaced by glycine, an amino acid with dissimilar properties. This amino acid position is conserved. In addition, this alteration is predicted to be deleterious by in silico analysis. Since supporting evidence is limited at this time, the clinical significance of this alteration remains unclear.

Baylor Genetics
Classification: Uncertain significance for Global developmental delay - lung cysts - overgrowth - Wilms tumor syndrome. Last evaluated: 2023-05-19. Review status: criteria provided, single submitter. Criteria: ACMG Guidelines, 2015. Collection method: clinical testing. Allele origin: unknown.

PreventionGenetics, part of Exact Sciences
Classification: Uncertain significance. Last evaluated: 2017-03-06. Review status: criteria provided, single submitter. Criteria: ACMG Guidelines, 2015. Collection method: clinical testing. Allele origin: germline.